The following is an entry in ClinVar:

NM_023110.3(FGFR1):c.570del (p.Trp190fs)

Gene: FGFR1 (fibroblast growth factor receptor 1; minus strand). Cytogenetic location: 8p11.23.
Variant type: Deletion.
Coding change: c.570del on transcript NM_023110.3 (MANE Select); coding-DNA position 570, one base deleted (G; older notation c.570delG).
Protein change: p.Trp190fs; shifts the reading frame from tryptophan 190.
Molecular consequence: frameshift variant.
Genome position (GRCh38, 1-based): chr8:38,427,972, C deleted on the plus strand (G on the coding strand, the reverse complement: FGFR1 is on the minus strand); the first of 2 consecutive C bases (chr8:38,427,972-38,427,973); deleting either gives the same sequence. VCF-style (leftmost placement, unchanged base first): chr8-38427971-AC-A. GRCh37 (hg19) VCF-style: chr8-38285489-AC-A.
Other names: c.570del, p.Trp190fs (NM_001174063.2); c.546del, p.Trp182fs (NM_001174064.2); c.564del, p.Trp188fs (NM_001174065.2, NM_001354367.2, NM_001354369.2 and 2 more transcripts); c.303del, p.Trp101fs (NM_001174066.2, NM_023105.3); c.663del, p.Trp221fs (NM_001174067.2); c.297del, p.Trp99fs (NM_001354368.2, NM_001354370.2, NM_023106.3); short protein forms W188fs, W190fs, W221fs, W101fs, W99fs, W182fs.
Identifiers: ClinVar variation 4791943 (VCV004791943.1).

ClinVar aggregate classification (germline): Pathogenic (1 of 4 stars; one submission).

Conditions:
Pfeiffer syndrome (ACS5). Also called: ACS V. Identifiers: Orphanet 710, MedGen C0220658, MONDO:0007043, OMIM 101600.
Hypogonadotropic hypogonadism 2 with or without anosmia (HH2). Also called: HYPOGONADOTROPIC HYPOGONADISM 2 WITH OR WITHOUT ANOSMIA, SUSCEPTIBILITY TO; HYPOGONADOTROPIC HYPOGONADISM 2 WITHOUT ANOSMIA, SUSCEPTIBILITY TO; HYPOGONADOTROPIC HYPOGONADISM 2 WITHOUT ANOSMIA; FGFR1-Related GnRH Deficiency (Kallmann Syndrome 2). Identifiers: Orphanet 478, MedGen C1563720, MONDO:0007844, OMIM 147950. Disease mechanism: loss of function.

Submission:

Labcorp Genetics (formerly Invitae), Labcorp
Classification: Pathogenic for Pfeiffer syndrome; Hypogonadotropic hypogonadism 2 with or without anosmia. Last evaluated: 2025-05-13. Review status: criteria provided, single submitter. Criteria: Invitae Variant Classification Sherloc (09022015). Collection method: clinical testing. Allele origin: germline.
Comment: This sequence change creates a premature translational stop signal (p.Trp190Cysfs*2) in the FGFR1 gene. It is expected to result in an absent or disrupted protein product. Loss-of-function variants in FGFR1 are known to be pathogenic (PMID: 12627230). This variant is not present in population databases (gnomAD no frequency). This premature translational stop signal has been observed in individual(s) with idiopathic hypogonadotropic hypogonadism (PMID: 33548149). This variant is also known as c.570delG (W190Cfs191X). For these reasons, this variant has been classified as Pathogenic.

Literature cited by the submitters: PubMed 12627230; PubMed 33548149.